The following is an entry in ClinVar:

NM_001278716.2(FBXL4):c.1349G>A (p.Cys450Tyr)

Gene: FBXL4 (F-box and leucine rich repeat protein 4; minus strand). Cytogenetic location: 6q16.1.
Variant type: single nucleotide variant.
Coding change: c.1349G>A on transcript NM_001278716.2 (MANE Select); coding-DNA position 1349, G replaced by A.
Protein change: p.Cys450Tyr; replaces cysteine 450 with tyrosine.
Molecular consequence: missense variant. On other transcripts: non-coding transcript variant (1).
Genome position (GRCh38, 1-based): chr6:98,880,593, C>T on the plus strand (G>A on the coding strand, the complement: FBXL4 is on the minus strand). VCF-style: chr6-98880593-C-T. GRCh37 (hg19) VCF-style: chr6-99328469-C-T.
Other names: c.1349G>A, p.Cys450Tyr (NM_012160.5); short protein forms C450Y.
Identifiers: ClinVar variation 437739 (VCV000437739.1), dbSNP rs745312139, ClinGen allele CA3933469.

ClinVar aggregate classification (germline): Uncertain significance (1 of 4 stars; one submission).

Conditions:
Mitochondrial DNA depletion syndrome 13. Also called: FBXL4-Related Encephalomyopathic Mitochondrial DNA Depletion Syndrome; Mitochondrial DNA depletion syndrome 13 (encephalomyopathic type). Identifiers: Orphanet 369897, MedGen C3809592, MONDO:0014198, OMIM 615471.

Allele frequency attached by ClinVar (database versions not stated): gnomAD exomes below 0.00001 and 0.00001; ExAC 0.00001.
gnomAD v4.1: 9 of 1,613,942 alleles (0.00056%); highest among the groups gnomAD compares: Non-Finnish European, 0.00076%; no homozygotes.

Submission:

Wong Mito Lab, Molecular and Human Genetics, Baylor College of Medicine
Classification: Uncertain significance for Mitochondrial DNA depletion syndrome 13. Last evaluated: 2017-08-10. Review status: criteria provided, single submitter. Criteria: ACMG Guidelines, 2015. Collection method: reference population. Allele origin: germline.
Comment: The NM_012160.4:c.1349G>A (NP_036292.2:p.Cys450Tyr) [GRCH38: NC_000006.12:g.98880593C>T] variant in FBXL4 gene is interpretated to be a Uncertain Significance - Conflicting Evidence based on ACMG guidelines (PMID: 25741868). This variant meets one or more of the following evidence codes reported in the ACMG-guideline. PM2:This variant is absent in key population databases. BP4:Computational evidence/predictors indicate no impact on the FBXL4 structure, function, or protein-protein interaction. Based on this evidence code ClinGen Pathogenicity Calculator (PMID:28081714) suggested that the variant is Uncertain Significance - Conflicting Evidence.